The following is an entry in ClinVar:

NM_003403.5(YY1):c.202G>A (p.Ala68Thr)

Gene: YY1 (YY1 transcription factor; plus strand). Cytogenetic location: 14q32.2.
Variant type: single nucleotide variant.
Coding change: c.202G>A on transcript NM_003403.5 (MANE Select); coding-DNA position 202, G replaced by A.
Protein change: p.Ala68Thr; replaces alanine 68 with threonine.
Molecular consequence: missense variant.
Genome position (GRCh38, 1-based): chr14:100,239,446, G>A. VCF-style: chr14-100239446-G-A. GRCh37 (hg19) VCF-style: chr14-100705783-G-A.
Other names: short protein forms A68T.
Identifiers: ClinVar variation 996852 (VCV000996852.1), dbSNP rs1246486173, ClinGen allele CA390971162.

ClinVar aggregate classification (germline): Uncertain significance (1 of 4 stars; one submission).

Conditions:
Gabriele de Vries syndrome. Identifiers: Orphanet 506358, MedGen C4479652, MONDO:0044738, OMIM 617557.

Allele frequency attached by ClinVar (database versions not stated): gnomAD exomes 0.00001.
gnomAD v4.1: 5 of 1,592,894 alleles (0.00031%); highest among the groups gnomAD compares: Middle Eastern, 0.017%; no homozygotes.

Submission:

New York Genome Center
Classification: Uncertain significance for Gabriele de Vries syndrome. Last evaluated: 2019-09-13. Review status: criteria provided, single submitter. Criteria: NYGC Assertion Criteria 2020. Collection method: clinical testing. Allele origin: germline. Inheritance: Autosomal dominant inheritance. Observed: 1 heterozygote. Study: CSER-NYCKidSeq.
Comment: The c.202G>A (p.Ala68Thr) variant identified in the YY1 gene substitutes a moderately conserved Alanine for Threonine at amino acid 68/115 (coding exon 1/5). This variant is absent from gnomAD and ExAC, suggesting it is not a common benign variant in the populations represented in these databases. In silico algorithms predict this variant to be Neutral (Provean; score:-0.23) and Tolerated (SIFT; score:0.439) to the function of the canonical transcript. This variant is absent from ClinVar and to our current knowledge has not been reported in affected individuals in the literature. The p.Ala68 residue is not within a mapped domain, and lies N-terminal to the domains in which other pathogenic missense variants in YY1have been identified, however less than 15 individuals have been reported with Gabriele-de Vries syndrome [PMID: 28575647; PMID: 21076407; PMID: 31145572], and our understanding of the molecular mechanisms of this syndrome may be incomplete. Given the lack of compelling information regarding the pathogenicity of the c.202G>A (p.Ala68Thr) variant identified in the YY1 gene, it is reported here as a Variant of Uncertain Significance.